The following is an entry in ClinVar:

NM_014629.4(ARHGEF10):c.1183G>A (p.Val395Ile)

Gene: ARHGEF10 (Rho guanine nucleotide exchange factor 10; plus strand). Cytogenetic location: 8p23.3.
Variant type: single nucleotide variant.
Coding change: c.1183G>A on transcript NM_014629.4 (MANE Select); coding-DNA position 1183, G replaced by A.
Protein change: p.Val395Ile; replaces valine 395 with isoleucine.
Molecular consequence: missense variant.
Genome position (GRCh38, 1-based): chr8:1,893,569, G>A. VCF-style: chr8-1893569-G-A. GRCh37 (hg19) VCF-style: chr8-1841735-G-A.
Other names: c.1069G>A, p.Val357Ile (NM_001308152.2); c.1186G>A, p.Val396Ile (NM_001308153.3); short protein forms V357I, V420I, V395I, V396I.
Identifiers: ClinVar variation 3312828 (VCV003312828.2).
Genomic context (GRCh38, chr8:1,893,569, plus strand): 5'-AATGTATCTGTGTGTATTATAAAGCAGTTTTCTATCATTGTACTTCCAAATTTCCAACAG[G>A]TTGTAAGAAGATATATACTGGGTTCAGTTGTCGACAGTGAAAAGAACTACGTAGATGCTC-3'
Protein context (NP_055444.2, residues 385-405): PMPEGLSQQQ[Val395Ile]VRRYILGSVV

ClinVar aggregate classification (germline): Uncertain significance. Review status: criteria provided, multiple submitters, no conflicts (2 of 4 stars). 2 submissions from 2 submitters: Uncertain significance (2). Last evaluated 2025-12-24.

gnomAD v4.1: 1 of 1,611,358 alleles (0.000062%); highest among the groups gnomAD compares: South Asian, 0.0011%; no homozygotes.

Submissions (2):

Labcorp Genetics (formerly Invitae), Labcorp
Classification: Uncertain significance. Last evaluated: 2025-12-24. Review status: criteria provided, single submitter. Criteria: Invitae Variant Classification Sherloc (09022015). Collection method: clinical testing. Allele origin: germline.
Comment: This sequence change replaces valine, which is neutral and non-polar, with isoleucine, which is neutral and non-polar, at codon 395 of the ARHGEF10 protein (p.Val395Ile). This variant is present in population databases (no rsID available, gnomAD 0.003%). This variant has not been reported in the literature in individuals affected with ARHGEF10-related conditions. ClinVar contains an entry for this variant (Variation ID: 3312828). An algorithm developed to predict the effect of missense changes on protein structure and function (PolyPhen-2) suggests that this variant is likely to be disruptive. In summary, the available evidence is currently insufficient to determine the role of this variant in disease. Therefore, it has been classified as a Variant of Uncertain Significance.

Ambry Genetics
Classification: Uncertain significance. Last evaluated: 2024-05-14. Review status: criteria provided, single submitter. Criteria: Ambry Variant Classification Scheme 2023. Collection method: clinical testing. Allele origin: germline.